The following is an entry in ClinVar:

ClinVar aggregate classification (germline): Pathogenic (1 of 4 stars; one submission).

Submission:

Labcorp Genetics (formerly Invitae), Labcorp
Classification: Pathogenic. Last evaluated: 2025-04-27. Review status: criteria provided, single submitter. Criteria: Invitae Variant Classification Sherloc (09022015). Collection method: clinical testing. Allele origin: germline.
Comment: This sequence change creates a premature translational stop signal (p.Ser2235Phefs*55) in the COL7A1 gene. It is expected to result in an absent or disrupted protein product. Loss-of-function variants in COL7A1 are known to be pathogenic (PMID: 16971478). This variant is not present in population databases (gnomAD no frequency). This variant has not been reported in the literature in individuals affected with COL7A1-related conditions. For these reasons, this variant has been classified as Pathogenic.

Literature cited by the submitters: PubMed 16971478.

NM_000094.4(COL7A1):c.6698dup (p.Ser2235fs)

Gene: COL7A1 (collagen type VII alpha 1 chain; minus strand). Cytogenetic location: 3p21.31.
Variant type: Duplication.
Coding change: c.6698dup on transcript NM_000094.4 (MANE Select); coding-DNA position 6698, one base duplicated (G; older notation c.6698dupG).
Protein change: p.Ser2235fs; shifts the reading frame from serine 2235.
Molecular consequence: frameshift variant.
Genome position (GRCh38, 1-based): chr3:48,573,190, C duplicated on the plus strand (G on the coding strand, the reverse complement: COL7A1 is on the minus strand); the first of 2 consecutive C bases (chr3:48,573,190-48,573,191); duplicating either gives the same sequence. VCF-style (leftmost placement, unchanged base first): chr3-48573189-G-GC. GRCh37 (hg19) VCF-style: chr3-48610622-G-GC.
Other names: short protein forms S2235fs.
Identifiers: ClinVar variation 4717885 (VCV004717885.1).
Genomic context (GRCh38, chr3:48,573,189, plus strand): 5'-AGTGAAAACACGGTGTCCCTACAGGGGCCACAGGGACTCACTCACCACAAGGCCTGAAGG[G>GC]CCGGGGGGTCCAGGAAGTCCCACAGCTCCAGTAGGTCCAGTCAGGCCCTGGAGGAAGAGA-3'